The following is an entry in ClinVar:

NM_024989.4(PGAP1):c.1089C>T (p.Asn363=)

Gene: PGAP1 (post-GPI attachment to proteins inositol deacylase 1; minus strand). Cytogenetic location: 2q33.1.
Variant type: single nucleotide variant.
Coding change: c.1089C>T on transcript NM_024989.4 (MANE Select); coding-DNA position 1089, C replaced by T.
Protein change: p.Asn363=; no amino-acid change (asparagine 363 retained).
Molecular consequence: synonymous variant. On other transcripts: intron variant (1).
Genome position (GRCh38, 1-based): chr2:196,892,346, G>A on the plus strand (C>T on the coding strand, the complement: PGAP1 is on the minus strand). VCF-style: chr2-196892346-G-A. GRCh37 (hg19) VCF-style: chr2-197757070-G-A.
Other names: c.567C>T, p.Asn189= (NM_001321099.2); c.-79+794C>T (NM_001321100.2).
Identifiers: ClinVar variation 834520 (VCV000834520.9), dbSNP rs766852236, ClinGen allele CA2041036.

ClinVar aggregate classification (germline): Uncertain significance (1 of 4 stars; one submission).

Conditions:
Intellectual disability, autosomal recessive 42 (NEDDSBA). Also called: GLYCOSYLPHOSPHATIDYLINOSITOL BIOSYNTHESIS DEFECT 9; Neurodevelopmental disorder with dysmorphic features, spasticity, and brain abnormalities. Identifiers: Orphanet 88616, MedGen C4014343, MONDO:0014348, OMIM 615802.

Allele frequency attached by ClinVar (database versions not stated): gnomAD exomes 0.00001; ExAC 0.00002; gnomAD 0.00003; TOPMed 0.00003.
gnomAD v4.1: 25 of 1,404,144 alleles (0.0018%); highest among the groups gnomAD compares: Middle Eastern, 0.071%; no homozygotes.

Submission:

Labcorp Genetics (formerly Invitae), Labcorp
Classification: Uncertain significance for Intellectual disability, autosomal recessive 42. Last evaluated: 2022-07-17. Review status: criteria provided, single submitter. Criteria: Invitae Variant Classification Sherloc (09022015). Collection method: clinical testing. Allele origin: germline.
Comment: The frequency data for this variant in the population databases is considered unreliable, as metrics indicate poor data quality at this position in the gnomAD database. This sequence change affects codon 363 of the PGAP1 mRNA. It is a 'silent' change, meaning that it does not change the encoded amino acid sequence of the PGAP1 protein. It affects a nucleotide within the consensus splice site. This variant has not been reported in the literature in individuals affected with PGAP1-related conditions. ClinVar contains an entry for this variant (Variation ID: 834520). Algorithms developed to predict the effect of sequence changes on RNA splicing suggest that this variant is not likely to affect RNA splicing. In summary, the available evidence is currently insufficient to determine the role of this variant in disease. Therefore, it has been classified as a Variant of Uncertain Significance.